The following is an entry in ClinVar:

ClinVar aggregate classification (germline): Uncertain significance. Review status: criteria provided, multiple submitters, no conflicts (2 of 4 stars). 3 submissions from 3 submitters: Uncertain significance (3). Last evaluated 2026-06-18.

Conditions:
Hereditary cancer-predisposing syndrome. Also called: Tumor predisposition; Hereditary Cancer Syndrome; Hereditary neoplastic syndrome; Neoplastic Syndromes, Hereditary. Identifiers: Orphanet 140162, MedGen C0027672, MeSH D009386, MONDO:0015356.
Retinoblastoma (RB1). Also called: RETINOBLASTOMA, SOMATIC. Identifiers: Orphanet 790, MedGen C0035335, MeSH D012175, MONDO:0008380, OMIM 180200, HP:0009919. Disease mechanism: loss of function. Inheritance: Both sporadic and heritable forms are tested..

Allele frequency attached by ClinVar (database versions not stated): TOPMed 0.00001.

Submissions (3):

Ambry Genetics
Classification: Uncertain significance for Hereditary cancer-predisposing syndrome. Last evaluated: 2026-06-18. Review status: criteria provided, single submitter. Criteria: Ambry Variant Classification Scheme 2023. Collection method: clinical testing. Allele origin: germline.
Comment: The p.C489G variant (also known as c.1465T>G), located in coding exon 16 of the RB1 gene, results from a T to G substitution at nucleotide position 1465. The cysteine at codon 489 is replaced by glycine, an amino acid with highly dissimilar properties. This amino acid position is highly conserved in available vertebrate species. In addition, this alteration is predicted to be deleterious by in silico analysis. Based on the available evidence, the clinical significance of this variant remains unclear.

Labcorp Genetics (formerly Invitae), Labcorp
Classification: Uncertain significance for Retinoblastoma. Last evaluated: 2024-10-23. Review status: criteria provided, single submitter. Criteria: Invitae Variant Classification Sherloc (09022015). Collection method: clinical testing. Allele origin: germline.
Comment: This sequence change replaces cysteine, which is neutral and slightly polar, with glycine, which is neutral and non-polar, at codon 489 of the RB1 protein (p.Cys489Gly). This variant is not present in population databases (gnomAD no frequency). This variant has not been reported in the literature in individuals affected with RB1-related conditions. ClinVar contains an entry for this variant (Variation ID: 1014111). Invitae Evidence Modeling of protein sequence and biophysical properties (such as structural, functional, and spatial information, amino acid conservation, physicochemical variation, residue mobility, and thermodynamic stability) indicates that this missense variant is expected to disrupt RB1 protein function with a positive predictive value of 80%. In summary, the available evidence is currently insufficient to determine the role of this variant in disease. Therefore, it has been classified as a Variant of Uncertain Significance.

GeneDx
Classification: Uncertain significance. Last evaluated: 2023-08-23. Review status: criteria provided, single submitter. Criteria: GeneDx Variant Classification Process June 2021. Collection method: clinical testing. Allele origin: germline. Affected: yes.
Comment: Not observed at significant frequency in large population cohorts (gnomAD); In silico analysis supports that this missense variant has a deleterious effect on protein structure/function; Has not been previously published as pathogenic or benign to our knowledge

NM_000321.3(RB1):c.1465T>G (p.Cys489Gly)

Gene: RB1 (RB transcriptional corepressor 1; plus strand). Cytogenetic location: 13q14.2.
Variant type: single nucleotide variant.
Coding change: c.1465T>G on transcript NM_000321.3 (MANE Select); coding-DNA position 1465, T replaced by G.
Protein change: p.Cys489Gly; replaces cysteine 489 with glycine.
Molecular consequence: missense variant.
Genome position (GRCh38, 1-based): chr13:48,380,208, T>G. VCF-style: chr13-48380208-T-G. GRCh37 (hg19) VCF-style: chr13-48954344-T-G.
Other names: c.1465T>G (NM_000321.2); short protein forms C489G.
Identifiers: ClinVar variation 1014111 (VCV001014111.12), dbSNP rs1948523129, ClinGen allele CA388162858.
Genomic context (GRCh38, chr13:48,380,208, plus strand): 5'-TTTTTTTTTTCCTTTAGCAAACTTCTGAATGACAACATTTTTCATATGTCTTTATTGGCG[T>G]GCGCTCTTGAGGTTGTAATGGCCACATATAGCAGTAAGTTAAATTTTCATAAATAAACAC-3'
Protein context (NP_000312.2, residues 479-499): DNIFHMSLLA[Cys489Gly]ALEVVMATYS